The following is an entry in ClinVar:

ClinVar aggregate classification (germline): Uncertain significance. Review status: criteria provided, multiple submitters, no conflicts (2 of 4 stars). 2 submissions from 2 submitters: Uncertain significance (2). Last evaluated 2025-12-13.

Conditions:
Complex neurodevelopmental disorder. Identifiers: Orphanet 528084, MedGen C5568766, MONDO:0100038.

gnomAD v4.1: 8 of 1,613,956 alleles (0.0005%); highest among the groups gnomAD compares: Non-Finnish European, 0.00059%; no homozygotes.

Submissions (2):

Dasa
Classification: Uncertain significance for Complex neurodevelopmental disorder. Last evaluated: 2025-12-13. Review status: criteria provided, single submitter. Criteria: DASA Assertion Criteria. Collection method: clinical testing. Allele origin: germline.
Comment: NM_014516.4(CNOT3):c.731C>T (p.Pro244Leu) is a missense variant that results in the substitution of proline with leucine. This variant is rare in population databases. The currently available literature and clinical evidence are not sufficient to establish a definitive association between this variant and the reported condition. Therefore, this variant is classified as a variant of uncertain significance.

Labcorp Genetics (formerly Invitae), Labcorp
Classification: Uncertain significance. Last evaluated: 2022-06-27. Review status: criteria provided, single submitter. Criteria: Invitae Variant Classification Sherloc (09022015). Collection method: clinical testing. Allele origin: germline.
Comment: In summary, the available evidence is currently insufficient to determine the role of this variant in disease. Therefore, it has been classified as a Variant of Uncertain Significance. Algorithms developed to predict the effect of missense changes on protein structure and function (SIFT, PolyPhen-2, Align-GVGD) all suggest that this variant is likely to be tolerated. This variant has not been reported in the literature in individuals affected with CNOT3-related conditions. This variant is not present in population databases (gnomAD no frequency). This sequence change replaces proline, which is neutral and non-polar, with leucine, which is neutral and non-polar, at codon 244 of the CNOT3 protein (p.Pro244Leu).

NM_014516.4(CNOT3):c.731C>T (p.Pro244Leu)

Gene: CNOT3 (CCR4-NOT transcription complex subunit 3; plus strand). Cytogenetic location: 19q13.42.
Variant type: single nucleotide variant.
Coding change: c.731C>T on transcript NM_014516.4 (MANE Select); coding-DNA position 731, C replaced by T.
Protein change: p.Pro244Leu; replaces proline 244 with leucine.
Molecular consequence: missense variant.
Genome position (GRCh38, 1-based): chr19:54,145,937, C>T. VCF-style: chr19-54145937-C-T. GRCh37 (hg19) VCF-style: chr19-54649673-C-T.
Other names: short protein forms P244L.
Identifiers: ClinVar variation 2127996 (VCV002127996.6), dbSNP rs764309033, ClinGen allele CA407761688.
Genomic context (GRCh38, chr19:54,145,937, plus strand): 5'-CCAGCTAAGCATGCCCTTCTTCTGCCCCCACAGCACAGGCGCTGGTCGCCACCTCCCCCC[C>T]CAGCCACAGCCACATGGAGGATGAGATCTTCAACCAGTCCAGCAGCACGCCCACCTCAAC-3'
Protein context (NP_055331.1, residues 234-254): IPQALVATSP[Pro244Leu]SHSHMEDEIF